The following is an entry in ClinVar:

ClinVar aggregate classification (germline): Pathogenic (1 of 4 stars; one submission).

Conditions:
Hereditary breast ovarian cancer syndrome. Also called: Hereditary breast and ovarian cancer syndrome; Hereditary breast and/or ovarian cancer syndrome; Hereditary breast and ovarian cancer; Hereditary breast and ovarian cancer syndrome (HBOC); Breast and ovarian cancer; BRCA1- and BRCA2-Associated Hereditary Breast and Ovarian Cancer. Identifiers: Orphanet 145, MedGen C0677776, MeSH D061325, MONDO:0003582. Disease mechanism: loss of function.

Submission:

Labcorp Genetics (formerly Invitae), Labcorp
Classification: Pathogenic for Hereditary breast ovarian cancer syndrome. Last evaluated: 2024-11-26. Review status: criteria provided, single submitter. Criteria: Invitae Variant Classification Sherloc (09022015). Collection method: clinical testing. Allele origin: germline.
Comment: This sequence change creates a premature translational stop signal (p.Lys2413Ilefs*7) in the BRCA2 gene. It is expected to result in an absent or disrupted protein product. Loss-of-function variants in BRCA2 are known to be pathogenic (PMID: 20104584). This variant is not present in population databases (gnomAD no frequency). This variant has not been reported in the literature in individuals affected with BRCA2-related conditions. For these reasons, this variant has been classified as Pathogenic.

Literature cited by the submitters: PubMed 20104584.

NM_000059.4(BRCA2):c.7238_7239del (p.Lys2413fs)

Gene: BRCA2 (BRCA2 DNA repair associated; plus strand). Cytogenetic location: 13q13.1.
Variant type: Deletion.
Coding change: c.7238_7239del on transcript NM_000059.4 (MANE Select); coding-DNA positions 7238 to 7239, 2 bases deleted (AA; older notation c.7238_7239delAA).
Protein change: p.Lys2413fs; shifts the reading frame from lysine 2413.
Molecular consequence: frameshift variant. On other transcripts: non-coding transcript variant (1).
Genome position (GRCh38, 1-based): chr13:32,355,091-32,355,092, AA deleted; deleting any 2 consecutive bases within chr13:32,355,090-32,355,092 gives the same sequence; the c. name uses the placement nearest the transcript's 3' end. VCF-style (leftmost placement, unchanged base first): chr13-32355089-TAA-T. GRCh37 (hg19) VCF-style: chr13-32929226-TAA-T.
Other names: c.7142_7143del, p.Lys2381fs (NM_001406719.1); c.7238_7239del, p.Lys2413fs (NM_001406720.1, NM_001432077.1); c.2306_2307del, p.Lys769fs (NM_001406721.1); c.821_822del, p.Lys274fs (NM_001406722.1); short protein forms K274fs, K2413fs, K2381fs, K769fs.
Identifiers: ClinVar variation 3726106 (VCV003726106.2).